The following is an entry in ClinVar:

ClinVar aggregate classification (germline): Uncertain significance. Review status: criteria provided, multiple submitters, no conflicts (2 of 4 stars). 2 submissions from 2 submitters: Uncertain significance (2). Last evaluated 2025-03-14.

Conditions:
Familial thoracic aortic aneurysm and aortic dissection (TAAD). Also called: Thoracic aortic aneurysms and dissections. Identifiers: Orphanet 91387, MedGen C4707243, MONDO:0019625.

gnomAD v4.1: 1 of 1,614,234 alleles (0.000062%); highest among the groups gnomAD compares: Non-Finnish European, 0.000085%; no homozygotes.

Submissions (2):

Labcorp Genetics (formerly Invitae), Labcorp
Classification: Uncertain significance for Familial thoracic aortic aneurysm and aortic dissection. Last evaluated: 2025-03-14. Review status: criteria provided, single submitter. Criteria: Invitae Variant Classification Sherloc (09022015). Collection method: clinical testing. Allele origin: germline.
Comment: This sequence change replaces valine, which is neutral and non-polar, with glycine, which is neutral and non-polar, at codon 167 of the TGFBR2 protein (p.Val167Gly). This variant is not present in population databases (gnomAD no frequency). This variant has not been reported in the literature in individuals affected with TGFBR2-related conditions. ClinVar contains an entry for this variant (Variation ID: 2335091). Invitae Evidence Modeling of protein sequence and biophysical properties (such as structural, functional, and spatial information, amino acid conservation, physicochemical variation, residue mobility, and thermodynamic stability) has been performed for this missense variant. However, the output from this modeling did not meet the statistical confidence thresholds required to predict the impact of this variant on TGFBR2 protein function. In summary, the available evidence is currently insufficient to determine the role of this variant in disease. Therefore, it has been classified as a Variant of Uncertain Significance.

Ambry Genetics
Classification: Uncertain significance for Familial thoracic aortic aneurysm and aortic dissection. Last evaluated: 2022-12-15. Review status: criteria provided, single submitter. Criteria: Ambry Variant Classification Scheme 2023. Collection method: clinical testing. Allele origin: germline.

NM_003242.6(TGFBR2):c.500T>G (p.Val167Gly)

Gene: TGFBR2 (transforming growth factor beta receptor 2; plus strand). Cytogenetic location: 3p24.1.
Variant type: single nucleotide variant.
Coding change: c.500T>G on transcript NM_003242.6 (MANE Select); coding-DNA position 500, T replaced by G.
Protein change: p.Val167Gly; replaces valine 167 with glycine.
Molecular consequence: missense variant.
Genome position (GRCh38, 1-based): chr3:30,671,683, T>G. VCF-style: chr3-30671683-T-G. GRCh37 (hg19) VCF-style: chr3-30713175-T-G.
Other names: c.575T>G, p.Val192Gly (NM_001024847.3); c.683T>G, p.Val228Gly (NM_001407126.1); c.608T>G, p.Val203Gly (NM_001407127.1); c.527T>G, p.Val176Gly (NM_001407128.1); c.503T>G, p.Val168Gly (NM_001407129.1); c.500T>G, p.Val167Gly (NM_001407130.1); c.395T>G, p.Val132Gly (NM_001407132.1, NM_001407133.1, NM_001407134.1 and 2 more transcripts); c.215T>G, p.Val72Gly (NM_001407137.1); and 1 more; short protein forms V167G, V176G, V203G, V228G, V132G, V72G, V168G, V47G.
Identifiers: ClinVar variation 2335091 (VCV002335091.3), dbSNP rs779052721, ClinGen allele CA71527595.